The following is an entry in ClinVar:

NM_022821.4(ELOVL1):c.105C>T (p.Leu35=)

Gene: ELOVL1 (ELOVL fatty acid elongase 1; minus strand). Cytogenetic location: 1p34.2.
Variant type: single nucleotide variant.
Coding change: c.105C>T on transcript NM_022821.4 (MANE Select); coding-DNA position 105, C replaced by T.
Protein change: p.Leu35=; no amino-acid change (leucine 35 retained).
Molecular consequence: synonymous variant. On other transcripts: non-coding transcript variant (1), intron variant (1).
Genome position (GRCh38, 1-based): chr1:43,365,318, G>A on the plus strand (C>T on the coding strand, the complement: ELOVL1 is on the minus strand). VCF-style: chr1-43365318-G-A. GRCh37 (hg19) VCF-style: chr1-43830989-G-A.
Other names: c.105C>T (NM_001256399.1); c.105C>T, p.Leu35= (NM_001256399.2, NM_001256401.2); c.-7+246C>T (NM_001256402.2).
Identifiers: ClinVar variation 1664497 (VCV001664497.34), dbSNP rs75531338, ClinGen allele CA807693.

ClinVar aggregate classification (germline): Benign. Review status: criteria provided, multiple submitters, no conflicts (2 of 4 stars). 4 submissions from 4 submitters: Benign (3). 1 of the submissions does not count toward it. Last evaluated 2026-09-01.

Conditions:
ELOVL1-related disorder. Also called: ELOVL1-related condition.

Allele frequency attached by ClinVar (database versions not stated): 1000 Genomes Project 0.00300; 1000 Genomes Project 30x 0.00344; gnomAD exomes 0.00581 and 0.01060; ESP Exome Variant Server 0.00584; TOPMed 0.00589; ExAC 0.00590; gnomAD 0.00610 and 0.00622.

Submissions (4):

CeGaT Center for Human Genetics Tuebingen
Classification: Benign. Last evaluated: 2026-09-01. Review status: criteria provided, single submitter. Criteria: CeGaT Center For Human Genetics Tuebingen Variant Classification Criteria Version 2. Collection method: clinical testing. Allele origin: germline. Affected: yes. Observed: 7 variant alleles.
Comment: ELOVL1: BP4, BP7, BS1, BS2

Labcorp Genetics (formerly Invitae), Labcorp
Classification: Benign. Last evaluated: 2026-01-12. Review status: criteria provided, single submitter. Criteria: Invitae Variant Classification Sherloc (09022015). Collection method: clinical testing. Allele origin: germline.

Breakthrough Genomics
Classification: Benign. Review status: criteria provided, single submitter. Criteria: ACMG Guidelines, 2015. Collection method: not provided. Allele origin: germline. Inheritance: Autosomal dominant inheritance. Affected: yes.

PreventionGenetics, part of Exact Sciences
Classification: Benign for ELOVL1-related condition. Last evaluated: 2019-11-15. Review status: no assertion criteria provided. Collection method: clinical testing. Allele origin: germline. Not counted in ClinVar's aggregate classification.
Comment: This variant is classified as benign based on ACMG/AMP sequence variant interpretation guidelines (Richards et al. 2015 PMID: 25741868, with internal and published modifications).